The following is an entry in ClinVar:

NM_001002294.3(FMO3):c.358_368del (p.Ala120fs)

Genes: FMO3 (flavin containing dimethylaniline monoxygenase 3; plus strand), LOC126805916 (BRD4-independent group 4 enhancer GRCh37_chr1:171076844-171078043; plus strand). Cytogenetic location: 1q24.3.
Variant type: Deletion.
Coding change: c.358_368del on transcript NM_001002294.3 (MANE Select); coding-DNA positions 358 to 368, 11 bases deleted (GCAACTACTGG).
Protein change: p.Ala120fs; shifts the reading frame from alanine 120.
Molecular consequence: frameshift variant.
Genome position (GRCh38, 1-based): chr1:171,107,711-171,107,721, GCAACTACTGG deleted. VCF-style (leftmost placement, unchanged base first): chr1-171107710-TGCAACTACTGG-T. GRCh37 (hg19) VCF-style: chr1-171076851-TGCAACTACTGG-T.
Other names: c.169_179del, p.Ala57fs (NM_001319174.2); c.358_368del, p.Ala120fs (NM_006894.6); c.298_308del, p.Ala100fs (NM_001319173.2); short protein forms A57fs, A120fs, A100fs.
Identifiers: ClinVar variation 2706869 (VCV002706869.3), dbSNP rs2526327208, ClinGen allele CA2697554671.

ClinVar aggregate classification (germline): Pathogenic (1 of 4 stars; one submission).

Submission:

Labcorp Genetics (formerly Invitae), Labcorp
Classification: Pathogenic. Last evaluated: 2024-01-13. Review status: criteria provided, single submitter. Criteria: Invitae Variant Classification Sherloc (09022015). Collection method: clinical testing. Allele origin: germline.
Comment: This sequence change creates a premature translational stop signal (p.Ala120Profs*7) in the FMO3 gene. It is expected to result in an absent or disrupted protein product. Loss-of-function variants in FMO3 are known to be pathogenic (PMID: 20301282). This variant is not present in population databases (gnomAD no frequency). This variant has not been reported in the literature in individuals affected with FMO3-related conditions. Algorithms developed to predict the effect of sequence changes on RNA splicing suggest that this variant may disrupt the consensus splice site. For these reasons, this variant has been classified as Pathogenic.

Literature cited by the submitters: PubMed 20301282.